The following is an entry in ClinVar:

ClinVar aggregate classification (germline): Likely pathogenic (1 of 4 stars; one submission).

Conditions:
Deficiency of alpha-mannosidase (MANSA). Also called: Mannosidosis, alpha-, types I and II; LYSOSOMAL ALPHA-D-MANNOSIDASE DEFICIENCY; Alpha-Mannosidosis. Identifiers: Orphanet 61, MedGen C0024748, MONDO:0009561, OMIM 248500.

Submission:

Myriad Genetics, Inc.
Classification: Likely pathogenic for Deficiency of alpha-mannosidase. Last evaluated: 2021-11-25. Review status: criteria provided, single submitter. Criteria: Myriad Women's Health Autosomal Recessive and X-Linked Classification Criteria (2021). Collection method: clinical testing. Allele origin: unknown.
Comment: NM_000528.3(MAN2B1):c.1454delG(G485Afs*12) is expected to be pathogenic in the context of alpha-mannosidosis. This variant is predicted to lead to an abnormal or absent protein product due to the creation of a premature termination codon in MAN2B1, a gene where loss-of-function variants are known to be pathogenic. Please note: this variant was assessed in the context of healthy population screening.

NM_000528.4(MAN2B1):c.1454del (p.Gly485fs)

Gene: MAN2B1 (mannosidase alpha class 2B member 1; minus strand). Cytogenetic location: 19p13.13.
Variant type: Deletion.
Coding change: c.1454del on transcript NM_000528.4 (MANE Select); coding-DNA position 1454, one base deleted (G; older notation c.1454delG).
Protein change: p.Gly485fs; shifts the reading frame from glycine 485.
Molecular consequence: frameshift variant.
Genome position (GRCh38, 1-based): chr19:12,657,022, C deleted on the plus strand (G on the coding strand, the reverse complement: MAN2B1 is on the minus strand); the first of 2 consecutive C bases (chr19:12,657,022-12,657,023); deleting either gives the same sequence. VCF-style (leftmost placement, unchanged base first): chr19-12657021-GC-G. GRCh37 (hg19) VCF-style: chr19-12767835-GC-G.
Other names: c.1451del, p.Gly484fs (NM_001173498.2); short protein forms G484fs, G485fs.
Identifiers: ClinVar variation 1724931 (VCV001724931.2), dbSNP rs2512500131, ClinGen allele CA2580096502.
Genomic context (GRCh38, chr19:12,657,021, plus strand): 5'-CTGGCTGAGCGGGCAGATGCTGATGTTTAGCTGTTGGCAAAAGGTGAAGTGATCTTTGAA[GC>G]CTCTGAGCCGCGCCAGCGCGTTGCTCAGAAGAACCTGCGGAAGAGCGCAAAGGGACCGGT-3'